The following is an entry in ClinVar:

ClinVar aggregate classification (germline): Uncertain significance (1 of 4 stars; one submission).

Submission:

GeneDx
Classification: Uncertain significance. Last evaluated: 2026-02-19. Review status: criteria provided, single submitter. Criteria: GeneDx Variant Classification Process June 2021. Collection method: clinical testing. Allele origin: germline.
Comment: Not observed at significant frequency in large population cohorts (gnomAD); In silico analysis supports that this missense variant has a deleterious effect on protein structure/function; Has not been previously published as pathogenic or benign to our knowledge

NM_001394062.1(MACF1):c.20432A>C (p.Glu6811Ala)

Gene: MACF1 (microtubule actin crosslinking factor 1; plus strand). Cytogenetic location: 1p34.3.
Variant type: single nucleotide variant.
Coding change: c.20432A>C on transcript NM_001394062.1 (MANE Select); coding-DNA position 20432, A replaced by C.
Protein change: p.Glu6811Ala; replaces glutamic acid 6811 with alanine.
Molecular consequence: missense variant.
Genome position (GRCh38, 1-based): chr1:39,452,169, A>C. VCF-style: chr1-39452169-A-C. GRCh37 (hg19) VCF-style: chr1-39917841-A-C.
Other names: c.8510A>C, p.Glu2837Ala (NM_001397473.1); c.14255A>C, p.Glu4752Ala (NM_012090.5); short protein forms E2837A, E4752A, E6811A.
Identifiers: ClinVar variation 5009827 (VCV005009827.1).